The following is an entry in ClinVar:

ClinVar aggregate classification (germline): Uncertain significance. Review status: criteria provided, single submitter (1 of 4 stars). 2 submissions from 2 submitters: Uncertain significance (1). 1 of the submissions does not count toward it. Last evaluated 2025-05-21.

Conditions:
DNMT3A-related disorder. Also called: DNMT3A-related disorders; DNMT3A-related condition.

Allele frequency attached by ClinVar (database versions not stated): gnomAD exomes below 0.00001; ExAC 0.00001; gnomAD 0.00001.
gnomAD v4.1: 6 of 1,613,082 alleles (0.00037%); highest among the groups gnomAD compares: Middle Eastern, 0.018%; no homozygotes.

Submissions (2):

PreventionGenetics, part of Exact Sciences
Classification: Uncertain significance for DNMT3A-related condition. Last evaluated: 2025-05-21. Review status: criteria provided, single submitter. Criteria: ACMG Guidelines, 2015. Collection method: clinical testing. Allele origin: germline.
Comment: The DNMT3A c.802G>A variant is predicted to result in the amino acid substitution p.Asp268Asn. To our knowledge, this variant has been reported in a reportedly healthy individual (Table S1, Bodian et al. 2014. PubMed ID: 24728327). This variant is reported in 0.00090% of alleles in individuals of European (Non-Finnish) descent in gnomAD. At this time, the clinical significance of this variant is uncertain due to the absence of conclusive functional and genetic evidence.

ITMI
No classification provided. Condition: AllHighlyPenetrant. Last evaluated: 2013-09-19. Review status: no classification provided. Collection method: reference population. Allele origin: germline. Not counted in ClinVar's aggregate classification.
Comment: Please see associated publication for description of ethnicities

Literature cited by the submitters: PubMed 24728327 (cited by ITMI).

NM_022552.5(DNMT3A):c.802G>A (p.Asp268Asn)

Gene: DNMT3A (DNA methyltransferase 3 alpha; minus strand). Cytogenetic location: 2p23.3.
Variant type: single nucleotide variant.
Coding change: c.802G>A on transcript NM_022552.5 (MANE Select); coding-DNA position 802, G replaced by A.
Protein change: p.Asp268Asn; replaces aspartic acid 268 with asparagine.
Molecular consequence: missense variant. On other transcripts: non-coding transcript variant (1).
Genome position (GRCh38, 1-based): chr2:25,248,090, C>T on the plus strand (G>A on the coding strand, the complement: DNMT3A is on the minus strand). VCF-style: chr2-25248090-C-T. GRCh37 (hg19) VCF-style: chr2-25470959-C-T.
Other names: c.346G>A, p.Asp116Asn (NM_001320893.1); c.133G>A, p.Asp45Asn (NM_001375819.1); c.235G>A, p.Asp79Asn (NM_153759.3); c.802G>A, p.Asp268Asn (NM_175629.2); short protein forms D268N, D79N, D116N, D45N.
Identifiers: ClinVar variation 133984 (VCV000133984.2), dbSNP rs587778237, ClinGen allele CA158320.